The following is an entry in ClinVar:

NM_000235.4(LIPA):c.429-8G>T

Gene: LIPA (lipase A, lysosomal acid type; minus strand). Cytogenetic location: 10q23.31.
Variant type: single nucleotide variant.
Coding change: c.429-8G>T on transcript NM_000235.4 (MANE Select); 8 bases into the intron before coding-DNA position 429, G replaced by T.
Molecular consequence: intron variant.
Genome position (GRCh38, 1-based): chr10:89,227,012, C>A on the plus strand (G>T on the coding strand, the complement: LIPA is on the minus strand). VCF-style: chr10-89227012-C-A. GRCh37 (hg19) VCF-style: chr10-90986769-C-A.
Other names: c.81-8G>T (NM_001288979.2); c.429-8G>T (NM_001127605.3).
Identifiers: ClinVar variation 760062 (VCV000760062.13), dbSNP rs112248349, ClinGen allele CA5593722.

ClinVar aggregate classification (germline): Likely benign. Review status: criteria provided, single submitter (1 of 4 stars). 2 submissions from 2 submitters: Likely benign (1). 1 of the submissions does not count toward it. Last evaluated 2025-12-28.

Conditions:
Wolman disease (WOLD). Also called: Acid cholesteryl ester hydrolase deficiency, Wolman type; Acid lipase disease; Wolman disease with hypolipoproteinemia and acanthocytosis; Infantile-Onset LAL-D (Wolman Disease); LYSOSOMAL ACID LIPASE DEFICIENCY, ACUTE INFANTILE; LYSOSOMAL ACID LIPASE DEFICIENCY, COMPLETE. Identifiers: Orphanet 75233, MedGen C0043208, MONDO:0019148, OMIM 620151.
LIPA-related disorder. Also called: LIPA-related disorders; LIPA-related condition.

Allele frequency attached by ClinVar (database versions not stated): ESP Exome Variant Server 0.00008; gnomAD 0.00013; ExAC 0.00014; gnomAD exomes 0.00015 and 0.00021; TOPMed 0.00015.
gnomAD v4.1: 314 of 1,494,308 alleles (0.021%); highest among the groups gnomAD compares: Non-Finnish European, 0.026%; no homozygotes.

Submissions (2):

Labcorp Genetics (formerly Invitae), Labcorp
Classification: Likely benign for Wolman disease. Last evaluated: 2025-12-28. Review status: criteria provided, single submitter. Criteria: Invitae Variant Classification Sherloc (09022015). Collection method: clinical testing. Allele origin: germline.

PreventionGenetics, part of Exact Sciences
Classification: Likely benign for LIPA-related condition. Last evaluated: 2021-07-26. Review status: no assertion criteria provided. Collection method: clinical testing. Allele origin: germline. Not counted in ClinVar's aggregate classification.
Comment: This variant is classified as likely benign based on ACMG/AMP sequence variant interpretation guidelines (Richards et al. 2015 PMID: 25741868, with internal and published modifications).